The following is an entry in ClinVar:

ClinVar aggregate classification (germline): Likely benign. Review status: criteria provided, multiple submitters, no conflicts (2 of 4 stars). 7 submissions from 7 submitters: Likely benign (7). Last evaluated 2025-01-01.

Conditions:
Arrhythmogenic right ventricular dysplasia 8 (ARVD8). Also called: Arrhythmogenic Right Ventricular Dysplasia/Cardiomyopathy 8; ARRHYTHMOGENIC RIGHT VENTRICULAR DYSPLASIA, FAMILIAL, 8; ARRHYTHMOGENIC RIGHT VENTRICULAR CARDIOMYOPATHY 8. Identifiers: MedGen C1843896, MONDO:0011831, OMIM 607450.
Arrhythmogenic cardiomyopathy with wooly hair and keratoderma. Also called: Dilated cardiomyopathy with woolly hair and keratoderma; PALMOPLANTAR KERATODERMA WITH LEFT VENTRICULAR CARDIOMYOPATHY AND WOOLLY HAIR; Carvajal syndrome; Arrhythmogenic cardiomyopathy with woolly hair and keratoderma. Identifiers: Orphanet 65282, MedGen C1854063, MONDO:0011581, OMIM 605676.
Cardiomyopathy (CMYO). Also called: Cardiomyopathies. Identifiers: Orphanet 167848, MedGen C0878544, MONDO:0004994, HP:0001638. Inheritance: Various modes of inheritance.
Cardiovascular phenotype. Identifiers: MedGen CN230736.
Woolly hair-skin fragility syndrome (WHSF). Identifiers: Orphanet 293165, MedGen C1843292, MONDO:0957307, OMIM 620415.
Lethal acantholytic epidermolysis bullosa (EBLA). Identifiers: Orphanet 158687, MedGen C1864826, MONDO:0012323, OMIM 609638.
Cardiomyopathy, dilated, with wooly hair, keratoderma, and tooth agenesis. Also called: Cardiomyopathy, dilated, with woolly hair, keratoderma, and tooth agenesis; Erythrokeratodermia-cardiomyopathy syndrome. Identifiers: Orphanet 476096, Orphanet 65282, MedGen C4014393, MONDO:0014355, OMIM 615821.
Keratosis palmoplantaris striata 2. Also called: Keratosis palmoplantaris striata II; KERATODERMA, PALMOPLANTAR, STRIATE FORM II; STRIATE PALMOPLANTAR KERATODERMA II. Identifiers: MedGen C1852127, MONDO:0013034, OMIM 612908.

Allele frequency attached by ClinVar (database versions not stated): gnomAD 0.00001; gnomAD exomes 0.00002; TOPMed 0.00002.
gnomAD v4.1: 28 of 1,613,958 alleles (0.0017%); highest among the groups gnomAD compares: Non-Finnish European, 0.0024%; no homozygotes.

Submissions (7):

Labcorp Genetics (formerly Invitae), Labcorp
Classification: Likely benign for Arrhythmogenic cardiomyopathy with wooly hair and keratoderma; Arrhythmogenic right ventricular dysplasia 8. Last evaluated: 2025-01-01. Review status: criteria provided, single submitter. Criteria: Invitae Variant Classification Sherloc (09022015). Collection method: clinical testing. Allele origin: germline.

Ambry Genetics
Classification: Likely benign for Cardiovascular phenotype. Last evaluated: 2024-05-17. Review status: criteria provided, single submitter. Criteria: Ambry Variant Classification Scheme 2023. Collection method: clinical testing. Allele origin: germline.

All of Us Research Program, National Institutes of Health
Classification: Likely benign for Arrhythmogenic cardiomyopathy with wooly hair and keratoderma. Last evaluated: 2023-10-02. Review status: criteria provided, single submitter. Criteria: ACMG Guidelines, 2015. Collection method: clinical testing. Allele origin: germline. Inheritance: Autosomal dominant inheritance. Observed: 1 variant allele, 1 heterozygote.
Comment: This study involves interpretation of variants in research participants for the purpose of population health screening. Participant phenotype was not available at the time of variant classification. Additional details can be found in publication PMID: 35346344, PMCID: PMC8962531

Color Diagnostics, LLC DBA Color Health
Classification: Likely benign for Cardiomyopathy. Last evaluated: 2022-11-06. Review status: criteria provided, single submitter. Criteria: ACMG Guidelines, 2015. Collection method: clinical testing. Allele origin: germline.

Fulgent Genetics
Classification: Likely benign for Arrhythmogenic cardiomyopathy with wooly hair and keratoderma; Arrhythmogenic right ventricular dysplasia 8; Lethal acantholytic epidermolysis bullosa; Keratosis palmoplantaris striata 2; Cardiomyopathy, dilated, with wooly hair, keratoderma, and tooth agenesis. Last evaluated: 2021-09-29. Review status: criteria provided, single submitter. Criteria: ACMG Guidelines, 2015. Collection method: clinical testing. Allele origin: unknown.

Blueprint Genetics
Classification: Likely benign. Last evaluated: 2020-10-01. Review status: criteria provided, single submitter. Criteria: ACMG Guidelines, 2015. Collection method: clinical testing. Allele origin: germline.

GeneDx
Classification: Likely benign. Last evaluated: 2016-03-24. Review status: criteria provided, single submitter. Criteria: GeneDx Variant Classification (06012015). Collection method: clinical testing. Allele origin: germline. Affected: yes.
Comment: This variant is considered likely benign or benign based on one or more of the following criteria: it is a conservative change, it occurs at a poorly conserved position in the protein, it is predicted to be benign by multiple in silico algorithms, and/or has population frequency not consistent with disease.

NM_004415.4(DSP):c.3843C>T (p.Gly1281=)

Gene: DSP (desmoplakin; plus strand). Cytogenetic location: 6p24.3.
Variant type: single nucleotide variant.
Coding change: c.3843C>T on transcript NM_004415.4 (MANE Select); coding-DNA position 3843, C replaced by T.
Protein change: p.Gly1281=; no amino-acid change (glycine 1281 retained).
Molecular consequence: synonymous variant. On other transcripts: intron variant (1).
Genome position (GRCh38, 1-based): chr6:7,580,033, C>T. VCF-style: chr6-7580033-C-T. GRCh37 (hg19) VCF-style: chr6-7580266-C-T.
Other names: c.3843C>T, p.Gly1281= (NM_001319034.2); c.3582+261C>T (NM_001008844.3); c.3843C>T (LRG_423t1).
Identifiers: ClinVar variation 377810 (VCV000377810.15), dbSNP rs757848395, ClinGen allele CA16605147.
Genomic context (GRCh38, chr6:7,580,033, plus strand): 5'-GCAGGCCACTGAGCAGCGAAGGCGAGCTGAAGAAAACGCCCTTCAGCAAAAGGCCTGTGG[C>T]TCTGAGATAATGCAGAAGAAGCAGCATCTGGAGATAGAACTGAAGCAGGTCATGCAGCAG-3'
Protein context (NP_004406.2, residues 1271-1291): EENALQQKAC[Gly1281=]SEIMQKKQHL